The following is an entry in ClinVar:

NM_014000.3(VCL):c.2435-10T>C

Gene: VCL (vinculin; plus strand). Cytogenetic location: 10q22.2.
Variant type: single nucleotide variant.
Coding change: c.2435-10T>C on transcript NM_014000.3 (MANE Select); 10 bases into the intron before coding-DNA position 2435, T replaced by C.
Molecular consequence: intron variant.
Genome position (GRCh38, 1-based): chr10:74,107,220, T>C. VCF-style: chr10-74107220-T-C. GRCh37 (hg19) VCF-style: chr10-75866978-T-C.
Other names: c.2435-10T>C (NM_003373.4).
Identifiers: ClinVar variation 392815 (VCV000392815.4), dbSNP rs201207594, ClinGen allele CA16605690.

ClinVar aggregate classification (germline): Conflicting classifications of pathogenicity. Review status: criteria provided, conflicting classifications (1 of 4 stars). 2 submissions from 2 submitters: Uncertain significance (1); Likely benign (1). Last evaluated 2026-01-05.

Conditions:
Dilated cardiomyopathy 1W (CMD1W). Identifiers: Orphanet 154, MedGen C1969639, MONDO:0012667, OMIM 611407.

Allele frequency attached by ClinVar (database versions not stated): gnomAD exomes below 0.00001.
gnomAD v4.1: 3 of 1,614,202 alleles (0.00019%); highest among the groups gnomAD compares: Non-Finnish European, 0.00025%; no homozygotes.

Submissions (2):

Labcorp Genetics (formerly Invitae), Labcorp
Classification: Uncertain significance for Dilated cardiomyopathy 1W. Last evaluated: 2026-01-05. Review status: criteria provided, single submitter. Criteria: Invitae Variant Classification Sherloc (09022015). Collection method: clinical testing. Allele origin: germline.
Comment: This sequence change falls in intron 16 of the VCL gene. It does not directly change the encoded amino acid sequence of the VCL protein. This variant is not present in population databases (gnomAD no frequency). This variant has not been reported in the literature in individuals affected with VCL-related conditions. ClinVar contains an entry for this variant (Variation ID: 392815). Algorithms developed to predict the effect of sequence changes on RNA splicing suggest that this variant may disrupt the consensus splice site. In summary, the available evidence is currently insufficient to determine the role of this variant in disease. Therefore, it has been classified as a Variant of Uncertain Significance.

GeneDx
Classification: Likely benign. Last evaluated: 2017-01-17. Review status: criteria provided, single submitter. Criteria: GeneDx Variant Classification (06012015). Collection method: clinical testing. Allele origin: germline. Affected: yes.
Comment: This variant is considered likely benign or benign based on one or more of the following criteria: it is a conservative change, it occurs at a poorly conserved position in the protein, it is predicted to be benign by multiple in silico algorithms, and/or has population frequency not consistent with disease.